The following is an entry in ClinVar:

ClinVar aggregate classification (germline): Benign/Likely benign. Review status: criteria provided, multiple submitters, no conflicts (2 of 4 stars). 4 submissions from 4 submitters: Benign (1); Likely benign (3). Last evaluated 2025-06-02.

Conditions:
Tuberous sclerosis 2 (TSC2). Identifiers: Orphanet 805, MedGen C1860707, MONDO:0013199, OMIM 613254.
Hereditary cancer-predisposing syndrome. Also called: Neoplastic Syndromes, Hereditary; Tumor predisposition; Hereditary neoplastic syndrome; Hereditary Cancer Syndrome. Identifiers: Orphanet 140162, MedGen C0027672, MeSH D009386, MONDO:0015356.

Allele frequency attached by ClinVar (database versions not stated): gnomAD exomes below 0.00001 and 0.00001.
gnomAD v4.1: 5 of 1,612,906 alleles (0.00031%); highest among the groups gnomAD compares: South Asian, 0.0055%; no homozygotes.

Submissions (4):

Labcorp Genetics (formerly Invitae), Labcorp
Classification: Likely benign for Tuberous sclerosis 2. Last evaluated: 2025-06-02. Review status: criteria provided, single submitter. Criteria: Invitae Variant Classification Sherloc (09022015). Collection method: clinical testing. Allele origin: germline.

CeGaT Center for Human Genetics Tuebingen
Classification: Likely benign. Last evaluated: 2025-06-01. Review status: criteria provided, single submitter. Criteria: CeGaT Center For Human Genetics Tuebingen Variant Classification Criteria Version 2. Collection method: clinical testing. Allele origin: germline. Affected: yes. Observed: 2 variant alleles.
Comment: TSC2: BP4, BP7

Myriad Genetics, Inc.
Classification: Benign for Tuberous sclerosis 2. Last evaluated: 2025-05-30. Review status: criteria provided, single submitter. Criteria: Myriad Autosomal Dominant, Autosomal Recessive and X-Linked Classification Criteria (2023). Collection method: clinical testing. Allele origin: unknown.
Comment: This variant is considered benign. This variant is a silent/synonymous amino acid change and it is not expected to impact splicing.

Ambry Genetics
Classification: Likely benign for Hereditary cancer-predisposing syndrome. Last evaluated: 2023-09-01. Review status: criteria provided, single submitter. Criteria: Ambry Variant Classification Scheme 2023. Collection method: clinical testing. Allele origin: germline.

NM_000548.5(TSC2):c.3759G>A (p.Leu1253=)

Gene: TSC2 (TSC complex subunit 2; plus strand). Cytogenetic location: 16p13.3.
Variant type: single nucleotide variant.
Coding change: c.3759G>A on transcript NM_000548.5 (MANE Select); coding-DNA position 3759, G replaced by A.
Protein change: p.Leu1253=; no amino-acid change (leucine 1253 retained).
Molecular consequence: synonymous variant.
Genome position (GRCh38, 1-based): chr16:2,081,743, G>A. VCF-style: chr16-2081743-G-A. GRCh37 (hg19) VCF-style: chr16-2131744-G-A.
Other names: c.3759G>A (NM_000548.3); c.3627G>A, p.Leu1209= (NM_001077183.3, NM_001370404.1); c.3759G>A, p.Leu1253= (NM_001114382.3); c.3519G>A, p.Leu1173= (NM_001318827.2); c.3483G>A, p.Leu1161= (NM_001318829.2); c.3027G>A, p.Leu1009= (NM_001318831.2); c.3660G>A, p.Leu1220= (NM_001318832.2); c.3630G>A, p.Leu1210= (NM_001363528.2, NM_001370405.1, NM_021055.3).
Identifiers: ClinVar variation 1097070 (VCV001097070.35), dbSNP rs878854095, ClinGen allele CA493043211.
Genomic context (GRCh38, chr16:2,081,743, plus strand): 5'-CGCCCTCATGGCGGCTGAGCGCTTCAAGGAGCACCGGGACACAGCCCTGTACAAGTCACT[G>A]TCGGTGCCGGCAGCCAGCACGGCCAAACCCCCTCCTCTGCCTCGCTCCAACACAGGTGAG-3'
Protein context (NP_000539.2, residues 1243-1263): EHRDTALYKS[Leu1253=]SVPAASTAKP